The following is an entry in ClinVar:

ClinVar aggregate classification (germline): Likely benign. Review status: criteria provided, multiple submitters, no conflicts (2 of 4 stars). 5 submissions from 5 submitters: Likely benign (5). Last evaluated 2026-04-14.

Conditions:
Arrhythmogenic cardiomyopathy with wooly hair and keratoderma. Also called: PALMOPLANTAR KERATODERMA WITH LEFT VENTRICULAR CARDIOMYOPATHY AND WOOLLY HAIR; Arrhythmogenic cardiomyopathy with woolly hair and keratoderma; Carvajal syndrome; Dilated cardiomyopathy with woolly hair and keratoderma. Identifiers: Orphanet 65282, MedGen C1854063, MONDO:0011581, OMIM 605676.
Arrhythmogenic right ventricular dysplasia 8 (ARVD8). Also called: ARRHYTHMOGENIC RIGHT VENTRICULAR DYSPLASIA, FAMILIAL, 8; ARRHYTHMOGENIC RIGHT VENTRICULAR CARDIOMYOPATHY 8; Arrhythmogenic Right Ventricular Dysplasia/Cardiomyopathy 8. Identifiers: MedGen C1843896, MONDO:0011831, OMIM 607450.
Cardiovascular phenotype. Identifiers: MedGen CN230736.
Cardiomyopathy (CMYO). Also called: Cardiomyopathies. Identifiers: Orphanet 167848, MedGen C0878544, MONDO:0004994, HP:0001638. Inheritance: Various modes of inheritance.

Allele frequency attached by ClinVar (database versions not stated): gnomAD 0.00001; gnomAD exomes below 0.00001.
gnomAD v4.1: 9 of 1,613,844 alleles (0.00056%); highest among the groups gnomAD compares: East Asian, 0.0022%; no homozygotes.

Submissions (5):

Ambry Genetics
Classification: Likely benign for Cardiovascular phenotype. Last evaluated: 2026-04-14. Review status: criteria provided, single submitter. Criteria: Ambry Variant Classification Scheme 2023. Collection method: clinical testing. Allele origin: germline.

Labcorp Genetics (formerly Invitae), Labcorp
Classification: Likely benign for Arrhythmogenic cardiomyopathy with wooly hair and keratoderma; Arrhythmogenic right ventricular dysplasia 8. Last evaluated: 2025-04-30. Review status: criteria provided, single submitter. Criteria: Invitae Variant Classification Sherloc (09022015). Collection method: clinical testing. Allele origin: germline.

All of Us Research Program, National Institutes of Health
Classification: Likely benign for Arrhythmogenic cardiomyopathy with wooly hair and keratoderma. Last evaluated: 2023-08-23. Review status: criteria provided, single submitter. Criteria: ACMG Guidelines, 2015. Collection method: clinical testing. Allele origin: germline. Inheritance: Autosomal dominant inheritance. Observed: 2 variant alleles, 2 heterozygotes.
Comment: This study involves interpretation of variants in research participants for the purpose of population health screening. Participant phenotype was not available at the time of variant classification. Additional details can be found in publication PMID: 35346344, PMCID: PMC8962531

CHEO Genetics Diagnostic Laboratory, Children's Hospital of Eastern Ontario
Classification: Likely benign for Cardiomyopathy. Last evaluated: 2023-06-26. Review status: criteria provided, single submitter. Criteria: ACMG Guidelines, 2015. Collection method: clinical testing. Allele origin: germline.

Color Diagnostics, LLC DBA Color Health
Classification: Likely benign for Cardiomyopathy. Last evaluated: 2019-02-21. Review status: criteria provided, single submitter. Criteria: ACMG Guidelines, 2015. Collection method: clinical testing. Allele origin: germline.

NM_004415.4(DSP):c.4395T>C (p.Tyr1465=)

Gene: DSP (desmoplakin; plus strand). Cytogenetic location: 6p24.3.
Variant type: single nucleotide variant.
Coding change: c.4395T>C on transcript NM_004415.4 (MANE Select); coding-DNA position 4395, T replaced by C.
Protein change: p.Tyr1465=; no amino-acid change (tyrosine 1465 retained).
Molecular consequence: synonymous variant. On other transcripts: intron variant (2).
Genome position (GRCh38, 1-based): chr6:7,580,585, T>C. VCF-style: chr6-7580585-T-C. GRCh37 (hg19) VCF-style: chr6-7580818-T-C.
Other names: c.4050+345T>C (NM_001319034.2); c.3582+813T>C (NM_001008844.3).
Identifiers: ClinVar variation 920434 (VCV000920434.11), dbSNP rs1236464864, ClinGen allele CA448714860.
Genomic context (GRCh38, chr6:7,580,585, plus strand): 5'-GCAGCTGGAGGTTGAGCTGAGACAAGTCACTCAGATGCGAACAGAGGAGAGCGTAAGATA[T>C]AAGCAATCTCTTGATGATGCTGCCAAAACCATCCAGGATAAAAACAAGGAGATAGAAAGG-3'
Protein context (NP_004406.2, residues 1455-1475): TQMRTEESVR[Tyr1465=]KQSLDDAAKT